The following is an entry in ClinVar:

ClinVar aggregate classification (germline): Uncertain significance (1 of 4 stars; one submission).

Conditions:
Tuberous sclerosis 2 (TSC2). Identifiers: Orphanet 805, MedGen C1860707, MONDO:0013199, OMIM 613254.

Submission:

Labcorp Genetics (formerly Invitae), Labcorp
Classification: Uncertain significance for Tuberous sclerosis 2. Last evaluated: 2020-09-10. Review status: criteria provided, single submitter. Criteria: Invitae Variant Classification Sherloc (09022015). Collection method: clinical testing. Allele origin: germline.
Comment: This sequence change replaces serine with asparagine at codon 377 of the TSC2 protein (p.Ser377Asn). The serine residue is highly conserved and there is a small physicochemical difference between serine and asparagine. This variant is not present in population databases (ExAC no frequency). This variant has not been reported in the literature in individuals with TSC2-related conditions. Advanced modeling of protein sequence and biophysical properties (such as structural, functional, and spatial information, amino acid conservation, physicochemical variation, residue mobility, and thermodynamic stability) performed at Invitae indicates that this missense variant is not expected to disrupt TSC2 protein function. In summary, the available evidence is currently insufficient to determine the role of this variant in disease. Therefore, it has been classified as a Variant of Uncertain Significance.

NM_000548.5(TSC2):c.1130G>A (p.Ser377Asn)

Gene: TSC2 (TSC complex subunit 2; plus strand). Cytogenetic location: 16p13.3.
Variant type: single nucleotide variant.
Coding change: c.1130G>A on transcript NM_000548.5 (MANE Select); coding-DNA position 1130, G replaced by A.
Protein change: p.Ser377Asn; replaces serine 377 with asparagine.
Molecular consequence: missense variant.
Genome position (GRCh38, 1-based): chr16:2,061,881, G>A. VCF-style: chr16-2061881-G-A. GRCh37 (hg19) VCF-style: chr16-2111882-G-A.
Other names: c.1130G>A, p.Ser377Asn (NM_001363528.2, NM_001370404.1, NM_001370405.1 and 3 more transcripts); c.1019G>A, p.Ser340Asn (NM_001318827.2); c.983G>A, p.Ser328Asn (NM_001318829.2); c.530G>A, p.Ser177Asn (NM_001318831.2); c.1163G>A, p.Ser388Asn (NM_001318832.2); short protein forms S177N, S328N, S340N, S388N, S377N.
Identifiers: ClinVar variation 1037307 (VCV001037307.8), dbSNP rs2086680090, ClinGen allele CA394319857.